The following is an entry in ClinVar:

NM_002519.3(NPAT):c.1069A>T (p.Ser357Cys)

Gene: NPAT (nuclear protein, coactivator of histone transcription; minus strand). Cytogenetic location: 11q22.3.
Variant type: single nucleotide variant.
Coding change: c.1069A>T on transcript NM_002519.3 (MANE Select); coding-DNA position 1069, A replaced by T.
Protein change: p.Ser357Cys; replaces serine 357 with cysteine.
Molecular consequence: missense variant.
Genome position (GRCh38, 1-based): chr11:108,176,309, T>A on the plus strand (A>T on the coding strand, the complement: NPAT is on the minus strand). VCF-style: chr11-108176309-T-A. GRCh37 (hg19) VCF-style: chr11-108047036-T-A.
Other names: c.1069A>T, p.Ser357Cys (NM_001321307.1); short protein forms S357C.
Identifiers: ClinVar variation 2453726 (VCV002453726.2), dbSNP rs1202408992, ClinGen allele CA382516858.

ClinVar aggregate classification (germline): Uncertain significance (1 of 4 stars; one submission).

Submission:

Ambry Genetics
Classification: Uncertain significance. Last evaluated: 2022-11-10. Review status: criteria provided, single submitter. Criteria: Ambry Variant Classification Scheme 2023. Collection method: clinical testing. Allele origin: germline.
Comment: The p.S357C variant (also known as c.1069A>T), located in coding exon 12 of the NPAT gene, results from an A to T substitution at nucleotide position 1069. The serine at codon 357 is replaced by cysteine, an amino acid with dissimilar properties. This amino acid position is conserved. In addition, this alteration is predicted to be tolerated by in silico analysis. Since supporting evidence is limited at this time, the clinical significance of this alteration remains unclear.